The following is an entry in ClinVar:

NM_012282.4(KCNE5):c.304G>A (p.Glu102Lys)

Gene: KCNE5 (potassium voltage-gated channel subfamily E regulatory subunit 5; minus strand). Cytogenetic location: Xq23.
Variant type: single nucleotide variant.
Coding change: c.304G>A on transcript NM_012282.4 (MANE Select); coding-DNA position 304, G replaced by A.
Protein change: p.Glu102Lys; replaces glutamic acid 102 with lysine.
Molecular consequence: missense variant.
Genome position (GRCh38, 1-based): chrX:109,624,717, C>T on the plus strand (G>A on the coding strand, the complement: KCNE5 is on the minus strand). VCF-style: chrX-109624717-C-T. GRCh37 (hg19) VCF-style: chrX-108867946-C-T.
Other names: short protein forms E102K.
Identifiers: ClinVar variation 1051746 (VCV001051746.12), dbSNP rs1397229944, ClinGen allele CA414213219.

ClinVar aggregate classification (germline): Uncertain significance. Review status: criteria provided, multiple submitters, no conflicts (2 of 4 stars). 2 submissions from 2 submitters: Uncertain significance (2). Last evaluated 2025-02-14.

Conditions:
Brugada syndrome. Also called: Sudden unexpected nocturnal death syndrome; Sudden Unexplained Death Syndrome; Sudden Unexplained Nocturnal Death Syndrome (SUNDS); Sudden unexplained nocturnal death syndrome. Identifiers: Orphanet 130, MedGen C1142166, MONDO:0015263.

Allele frequency attached by ClinVar (database versions not stated): gnomAD 0.00001; gnomAD exomes 0.00003; TOPMed 0.00003.

Submissions (2):

Ambry Genetics
Classification: Uncertain significance. Last evaluated: 2025-02-14. Review status: criteria provided, single submitter. Criteria: Ambry Variant Classification Scheme 2023. Collection method: clinical testing. Allele origin: germline.

Labcorp Genetics (formerly Invitae), Labcorp
Classification: Uncertain significance for Brugada syndrome. Last evaluated: 2024-03-25. Review status: criteria provided, single submitter. Criteria: Invitae Variant Classification Sherloc (09022015). Collection method: clinical testing. Allele origin: germline.
Comment: This sequence change replaces glutamic acid, which is acidic and polar, with lysine, which is basic and polar, at codon 102 of the KCNE5 protein (p.Glu102Lys). This variant is present in population databases (no rsID available, gnomAD 0.006%). This variant has not been reported in the literature in individuals affected with KCNE5-related conditions. ClinVar contains an entry for this variant (Variation ID: 1051746). An algorithm developed to predict the effect of missense changes on protein structure and function (PolyPhen-2) suggests that this variant is likely to be tolerated. In summary, the available evidence is currently insufficient to determine the role of this variant in disease. Therefore, it has been classified as a Variant of Uncertain Significance.